The following is an entry in ClinVar:

NM_001244008.2(KIF1A):c.2269C>G (p.Gln757Glu)

Gene: KIF1A (kinesin family member 1A; minus strand). Cytogenetic location: 2q37.3.
Variant type: single nucleotide variant.
Coding change: c.2269C>G on transcript NM_001244008.2 (MANE Select); coding-DNA position 2269, C replaced by G.
Protein change: p.Gln757Glu; replaces glutamine 757 with glutamic acid.
Molecular consequence: missense variant.
Genome position (GRCh38, 1-based): chr2:240,760,840, G>C on the plus strand (C>G on the coding strand, the complement: KIF1A is on the minus strand). VCF-style: chr2-240760840-G-C. GRCh37 (hg19) VCF-style: chr2-241700257-G-C.
Other names: p.Gln748Glu; c.2242C>G (NM_004321.7, NM_004321.5); c.2269C>G, p.Gln757Glu (NM_001320705.2, NM_001330289.2, NM_001379638.1); c.2344C>G, p.Gln782Glu (NM_001330290.2, NM_001379631.1, NM_001379634.1 and 2 more transcripts); c.2242C>G, p.Gln748Glu (NM_001379632.1, NM_001379633.1, NM_001379636.1 and 10 more transcripts); c.2317C>G, p.Gln773Glu (NM_001379637.1, NM_001379648.1); c.2269C>G (NM_001244008.1); short protein forms Q748E, Q757E, Q782E, Q773E.
Identifiers: ClinVar variation 432631 (VCV000432631.68), dbSNP rs369410320, ClinGen allele CA2208136.
Genomic context (GRCh38, chr2:240,760,840, plus strand): 5'-GCAGCAGGTCGGGTGGCAGAGGGGAGTAGAGTGTGTCCGTCAGGAGGACAAACTGGAATT[G>C]TACCTGTGACAGGGGAAGATGACCACTCGTCAGCTCCTTGGGGGACAGGGTGCCAGGTCC-3'
Protein context (NP_001230937.1, residues 747-767): AISVELKKKV[Gln757Glu]FQFVLLTDTL

ClinVar aggregate classification (germline): Conflicting classifications of pathogenicity. Review status: criteria provided, conflicting classifications (1 of 4 stars). 9 submissions from 9 submitters: Uncertain significance (7); Likely benign (2). Last evaluated 2026-03-13.

Conditions:
KIF1A-related disorder. Also called: KIF1A-related disorders; KIF1A-related condition.
Inborn genetic diseases. Identifiers: MedGen C0950123, MeSH D030342.
Hereditary spastic paraplegia 30. Identifiers: Orphanet 101010, MedGen C5235139, MONDO:0012476.
Intellectual disability, autosomal dominant 9 (NESCAVS). Also called: NESCAV SYNDROME; KIF1A-Related Neurodevelopmental Disorder. Identifiers: Orphanet 662367, MedGen C5393830, MONDO:0013656, OMIM 614255.
Neuropathy, hereditary sensory, type 2C. Also called: Hereditary sensory and autonomic neuropathy type IIC; KIF1A-Related HSAN2 (HSAN2C). Identifiers: Orphanet 970, MedGen C3280168, MONDO:0013634, OMIM 614213.
Hereditary spastic paraplegia. Also called: Familial spastic paraparesis. Identifiers: Orphanet 685, MedGen C0037773, MONDO:0019064. Disease mechanism: loss of function.

Allele frequency attached by ClinVar (database versions not stated): ExAC 0.00005; gnomAD 0.00005 and 0.00006; TOPMed 0.00006; ESP Exome Variant Server 0.00008.
gnomAD v4.1: 378 of 1,605,874 alleles (0.024%); highest among the groups gnomAD compares: Non-Finnish European, 0.032%; no homozygotes.

Submissions (9):

PreventionGenetics, part of Exact Sciences
Classification: Uncertain significance for KIF1A-related condition. Last evaluated: 2026-03-13. Review status: criteria provided, single submitter. Criteria: ACMG Guidelines, 2015. Collection method: clinical testing. Allele origin: germline.
Comment: The KIF1A c.2269C>G variant is predicted to result in the amino acid substitution p.Gln757Glu. To our knowledge, this variant has not been reported in the literature. This variant is reported in 0.0088% of alleles in individuals of European (non-Finnish) descent in gnomAD. At this time, the clinical significance of this variant is uncertain due to the absence of conclusive functional and genetic evidence.

Women's Health and Genetics/Laboratory Corporation of America, LabCorp
Classification: Uncertain significance. Last evaluated: 2026-03-02. Review status: criteria provided, single submitter. Criteria: LabCorp Variant Classification Summary - May 2015. Collection method: clinical testing. Allele origin: germline.
Comment: Variant summary: KIF1A c.2242C>G (p.Gln748Glu) results in a conservative amino acid change in the encoded protein sequence. Algorithms developed to predict the effect of missense changes on protein structure and function are either unavailable or do not agree on the potential impact of this missense change. The variant allele was found at a frequency of 4.2e-05 in 239296 control chromosomes. This frequency is not significantly higher than estimated for disease-causing variants in KIF1A, allowing no conclusion about variant significance. To our knowledge, no occurrence of c.2242C>G in individuals affected with KIF1A-related conditions and no experimental evidence demonstrating its impact on protein function have been reported. ClinVar contains an entry for this variant (Variation ID: 432631). Based on the evidence outlined above, the variant was classified as uncertain significance.

Labcorp Genetics (formerly Invitae), Labcorp
Classification: Likely benign for Hereditary spastic paraplegia 30; Neuropathy, hereditary sensory, type 2C; Intellectual disability, autosomal dominant 9. Last evaluated: 2026-02-03. Review status: criteria provided, single submitter. Criteria: Invitae Variant Classification Sherloc (09022015). Collection method: clinical testing. Allele origin: germline.

Mayo Clinic Laboratories, Mayo Clinic
Classification: Uncertain significance. Last evaluated: 2025-09-22. Review status: criteria provided, single submitter. Criteria: ACMG Guidelines, 2015. Collection method: clinical testing. Allele origin: germline. Observed: 1 variant allele.
Comment: BP4

Ambry Genetics
Classification: Likely benign for Inborn genetic diseases. Last evaluated: 2025-05-13. Review status: criteria provided, single submitter. Criteria: Ambry Variant Classification Scheme 2023. Collection method: clinical testing. Allele origin: germline.

GeneDx
Classification: Uncertain significance. Last evaluated: 2023-01-31. Review status: criteria provided, single submitter. Criteria: GeneDx Variant Classification Process June 2021. Collection method: clinical testing. Allele origin: germline. Affected: yes.
Comment: In silico analysis supports that this missense variant has a deleterious effect on protein structure/function; In silico analysis supports a deleterious effect on splicing; Has not been previously published as pathogenic or benign to our knowledge

ARUP Laboratories, Molecular Genetics and Genomics, ARUP Laboratories
Classification: Uncertain significance. Last evaluated: 2019-08-13. Review status: criteria provided, single submitter. Criteria: ARUP Molecular Germline Variant Investigation Process. Collection method: clinical testing. Allele origin: germline.
Comment: The KIF1A c.2242C>G; p.Gln748Glu variant (rs369410320), to our knowledge, has not been reported in the medical literature; however, this variant is listed in the ClinVar database (Variation ID: 432631). This variant is found in the general population with an allele frequency in non-Finnish Europeans of 0.009% (11/124,736 alleles) in the Genome Aggregation Database. The glutamine at codon 748 is highly conserved (Alamut v.2.11) although computational analyses (SIFT, PolyPhen-2) predict that this variant is tolerated. Thus, based on the available information, the clinical significance of this variant is uncertain.

Eurofins Ntd Llc (ga)
Classification: Uncertain significance. Last evaluated: 2017-02-09. Review status: criteria provided, single submitter. Criteria: EGL Classification Definitions 2015. Collection method: clinical testing. Allele origin: germline. Observed: 1 variant allele, 1 heterozygote.

Genome Diagnostics Laboratory, The Hospital for Sick Children
Classification: Uncertain significance for Hereditary spastic paraplegia. Last evaluated: 2016-12-12. Review status: criteria provided, single submitter. Criteria: ACMG Guidelines, 2015. Collection method: clinical testing. Allele origin: germline. Affected: yes.